The following is an entry in ClinVar:

ClinVar aggregate classification (germline): Uncertain significance. Review status: criteria provided, multiple submitters, no conflicts (2 of 4 stars). 3 submissions from 3 submitters: Uncertain significance (3). Last evaluated 2025-06-17.

Conditions:
Inborn genetic diseases. Identifiers: MedGen C0950123, MeSH D030342.
Autosomal recessive limb-girdle muscular dystrophy type R18 (LGMDR18). Also called: Limb-girdle muscular dystrophy, type 2S; MUSCULAR DYSTROPHY, LIMB-GIRDLE, AUTOSOMAL RECESSIVE 18; Autosomal recessive limb-girdle muscular dystrophy type 2S. Identifiers: Orphanet 369840, MedGen C4517996, MONDO:0014144, OMIM 615356.

Allele frequency attached by ClinVar (database versions not stated): gnomAD exomes below 0.00001 and 0.00001; gnomAD 0.00001 and 0.00002; TOPMed 0.00002; 1000 Genomes Project 30x 0.00016; 1000 Genomes Project 0.00020.
gnomAD v4.1: 23 of 1,613,264 alleles (0.0014%); highest among the groups gnomAD compares: Non-Finnish European, 0.002%; no homozygotes.

Submissions (3):

Victorian Clinical Genetics Services, Murdoch Childrens Research Institute
Classification: Uncertain significance for Autosomal recessive limb-girdle muscular dystrophy type R18. Last evaluated: 2025-06-17. Review status: criteria provided, single submitter. Criteria: ACMG Guidelines, 2015. Collection method: clinical testing. Allele origin: germline. Affected: yes.
Comment: This variant is classified as VUS-3B. Evidence in support of pathogenic classification: Variant is present in gnomAD <0.01 for a recessive condition (v4: 23 heterozygote(s), 0 homozygote(s)). Evidence in support of benign classification: Missense variant predicted to be tolerated by in silico tool(s) or not conserved in placental mammals with a minor amino acid change. Additional information: Variant is predicted to result in a missense amino acid change from proline to serine; This variant is heterozygous; This gene is associated with autosomal recessive disease; Alternative amino acid change(s) at the same position are present in gnomAD (highest allele count: v4: 4 heterozygote(s), 0 homozygote(s)); Previous evidence of pathogenicity for this variant is inconclusive. This variant has been classified as a VUS by a clinical laboratory and has been observed in a compound heterozygous child with TRAPPC11-related features (ClinVar, personal communication). - No published functional evidence has been identified for this variant; No comparable missense variants have previous evidence for pathogenicity; Variant is located in the annotated foie gras liver health family 1 (DECIPHER); Loss of function is a known mechanism of disease in this gene and is associated with autosomal recessive limb-girdle muscular dystrophy18 (MIM#615356).

Ambry Genetics
Classification: Uncertain significance for Inborn genetic diseases. Last evaluated: 2018-12-20. Review status: criteria provided, single submitter. Criteria: Ambry exome assertion method (8-5-2015). Collection method: clinical testing. Allele origin: germline. Affected: yes. Observed: 1 variant allele.

Blueprint Genetics
Classification: Uncertain significance. Last evaluated: 2017-10-17. Review status: criteria provided, single submitter. Criteria: ACMG Guidelines, 2015. Collection method: clinical testing. Allele origin: germline.

NM_021942.6(TRAPPC11):c.1135C>T (p.Pro379Ser)

Gene: TRAPPC11 (trafficking protein particle complex subunit 11; plus strand). Cytogenetic location: 4q35.1.
Variant type: single nucleotide variant.
Coding change: c.1135C>T on transcript NM_021942.6 (MANE Select); coding-DNA position 1135, C replaced by T.
Protein change: p.Pro379Ser; replaces proline 379 with serine.
Molecular consequence: missense variant.
Genome position (GRCh38, 1-based): chr4:183,682,753, C>T. VCF-style: chr4-183682753-C-T. GRCh37 (hg19) VCF-style: chr4-184603906-C-T.
Other names: c.1135C>T, p.Pro379Ser (NM_199053.3); short protein forms P379S.
Identifiers: ClinVar variation 985538 (VCV000985538.6), dbSNP rs201932605, ClinGen allele CA111848301.